The following is an entry in ClinVar:

ClinVar aggregate classification (germline): Uncertain significance (1 of 4 stars; one submission).

gnomAD v4.1: 3 of 1,609,054 alleles (0.00019%); highest among the groups gnomAD compares: Non-Finnish European, 0.00025%; no homozygotes.

Submission:

Women's Health and Genetics/Laboratory Corporation of America, LabCorp
Classification: Uncertain significance. Last evaluated: 2025-10-30. Review status: criteria provided, single submitter. Criteria: LabCorp Variant Classification Summary - May 2015. Collection method: clinical testing. Allele origin: germline.
Comment: Variant summary: HCK c.1093-3C>T alters a non-conserved nucleotide located close to a canonical splice site and therefore could affect mRNA splicing, leading to a significantly altered protein sequence. Consensus agreement among computation tools predicts no significant impact on normal splicing. However, these predictions have yet to be confirmed by functional studies. The variant was absent in 245778 control chromosomes (gnomAD v2.1, exomes dataset). The available data on variant occurrences in the general population are insufficient to allow any conclusion about variant significance. To our knowledge, no occurrence of c.1093-3C>T in individuals affected with HCK-related conditions and no experimental evidence demonstrating its impact on protein function have been reported. No submitters have cited clinical-significance assessments for this variant to ClinVar. Based on the evidence outlined above, the variant was classified as uncertain significance.

NM_002110.5(HCK):c.1093-3C>T

Gene: HCK (HCK proto-oncogene, Src family tyrosine kinase; plus strand). Cytogenetic location: 20q11.21.
Variant type: single nucleotide variant.
Coding change: c.1093-3C>T on transcript NM_002110.5 (MANE Select); 3 bases into the intron before coding-DNA position 1093, C replaced by T.
Molecular consequence: intron variant.
Genome position (GRCh38, 1-based): chr20:32,093,860, C>T. VCF-style: chr20-32093860-C-T. GRCh37 (hg19) VCF-style: chr20-30681663-C-T.
Other names: c.1033-3C>T (NM_001172132.3); c.1030-3C>T (NM_001172133.3, NM_001172129.3); c.1027-3C>T (NM_001172131.3); c.1090-3C>T (NM_001172130.3).
Identifiers: ClinVar variation 4687176 (VCV004687176.1).